The following is an entry in ClinVar:

ClinVar aggregate classification (germline): Uncertain significance. Review status: criteria provided, multiple submitters, no conflicts (2 of 4 stars). 2 submissions from 2 submitters: Uncertain significance (2). Last evaluated 2025-06-16.

Conditions:
Inborn genetic diseases. Identifiers: MedGen C0950123, MeSH D030342.

Submissions (2):

Labcorp Genetics (formerly Invitae), Labcorp
Classification: Uncertain significance. Last evaluated: 2025-06-16. Review status: criteria provided, single submitter. Criteria: Invitae Variant Classification Sherloc (09022015). Collection method: clinical testing. Allele origin: germline.
Comment: This sequence change replaces histidine, which is basic and polar, with tyrosine, which is neutral and polar, at codon 42 of the COL4A1 protein (p.His42Tyr). This variant is not present in population databases (gnomAD no frequency). This variant has not been reported in the literature in individuals affected with COL4A1-related conditions. ClinVar contains an entry for this variant (Variation ID: 2229555). Invitae Evidence Modeling of protein sequence and biophysical properties (such as structural, functional, and spatial information, amino acid conservation, physicochemical variation, residue mobility, and thermodynamic stability) indicates that this missense variant is not expected to disrupt COL4A1 protein function with a negative predictive value of 95%. In summary, the available evidence is currently insufficient to determine the role of this variant in disease. Therefore, it has been classified as a Variant of Uncertain Significance.

Ambry Genetics
Classification: Uncertain significance for Inborn genetic diseases. Last evaluated: 2021-03-31. Review status: criteria provided, single submitter. Criteria: Ambry Variant Classification Scheme 2023. Collection method: clinical testing. Allele origin: germline.

NM_001845.6(COL4A1):c.124C>T (p.His42Tyr)

Gene: COL4A1 (collagen type IV alpha 1 chain; minus strand). Cytogenetic location: 13q34.
Variant type: single nucleotide variant.
Coding change: c.124C>T on transcript NM_001845.6 (MANE Select); coding-DNA position 124, C replaced by T.
Protein change: p.His42Tyr; replaces histidine 42 with tyrosine.
Molecular consequence: missense variant.
Genome position (GRCh38, 1-based): chr13:110,242,695, G>A on the plus strand (C>T on the coding strand, the complement: COL4A1 is on the minus strand). VCF-style: chr13-110242695-G-A. GRCh37 (hg19) VCF-style: chr13-110895042-G-A.
Other names: c.124C>T, p.His42Tyr (NM_001303110.2); short protein forms H42Y.
Identifiers: ClinVar variation 2229555 (VCV002229555.3), dbSNP rs2501682933, ClinGen allele CA388731443.